The following is an entry in ClinVar:

ClinVar aggregate classification (germline): Uncertain significance (0 of 4 stars; one submission).

Conditions:
ARID1B-Related Disorder. Identifiers: MedGen CN381337.

gnomAD v4.1: 1 of 1,421,022 alleles (0.00007%); highest among the groups gnomAD compares: Middle Eastern, 0.022%; no homozygotes.

Submission:

PreventionGenetics, part of Exact Sciences
Classification: Uncertain significance for ARID1B-related condition. Last evaluated: 2024-04-05. Review status: no assertion criteria provided. Collection method: clinical testing. Allele origin: germline.
Comment: The ARID1B c.1463C>T variant is predicted to result in the amino acid substitution p.Pro488Leu. To our knowledge, this variant has not been reported in the literature or in a large population database, indicating this variant is rare. At this time, the clinical significance of this variant is uncertain due to the absence of conclusive functional and genetic evidence.

NM_001374828.1(ARID1B):c.1712C>T (p.Pro571Leu)

Gene: ARID1B (AT-rich interaction domain 1B; plus strand). Cytogenetic location: 6q25.3.
Variant type: single nucleotide variant.
Coding change: c.1712C>T on transcript NM_001374828.1 (MANE Select); coding-DNA position 1712, C replaced by T.
Protein change: p.Pro571Leu; replaces proline 571 with leucine.
Molecular consequence: missense variant.
Genome position (GRCh38, 1-based): chr6:156,779,392, C>T. VCF-style: chr6-156779392-C-T. GRCh37 (hg19) VCF-style: chr6-157100526-C-T.
Other names: c.1463C>T, p.Pro488Leu (NM_001346813.1, NM_020732.3); c.1712C>T, p.Pro571Leu (NM_001371656.1, NM_001374820.1, NM_017519.3); c.1289C>T, p.Pro430Leu (NM_175863.2); short protein forms P430L, P488L, P571L.
Identifiers: ClinVar variation 2628574 (VCV002628574.2), dbSNP rs769085274, ClinGen allele CA366385510.